The following is an entry in ClinVar:

NM_005120.3(MED12):c.2748C>A (p.Gly916=)

Gene: MED12 (mediator complex subunit 12; plus strand). Cytogenetic location: Xq13.1.
Variant type: single nucleotide variant.
Coding change: c.2748C>A on transcript NM_005120.3 (MANE Select); coding-DNA position 2748, C replaced by A.
Protein change: p.Gly916=; no amino-acid change (glycine 916 retained).
Molecular consequence: synonymous variant.
Genome position (GRCh38, 1-based): chrX:71,127,031, C>A. VCF-style: chrX-71127031-C-A. GRCh37 (hg19) VCF-style: chrX-70346881-C-A.
Identifiers: ClinVar variation 515832 (VCV000515832.11), dbSNP rs768686458, ClinGen allele CA10444400.

ClinVar aggregate classification (germline): Benign/Likely benign. Review status: criteria provided, multiple submitters, no conflicts (2 of 4 stars). 4 submissions from 4 submitters: Benign (1); Likely benign (3). Last evaluated 2025-11-22.

Conditions:
FG syndrome (FGS). Identifiers: MedGen C0220769, MONDO:0002010.
Familial thoracic aortic aneurysm and aortic dissection (TAAD). Also called: Thoracic aortic aneurysms and dissections. Identifiers: Orphanet 91387, MedGen C4707243, MONDO:0019625.

Allele frequency attached by ClinVar (database versions not stated): TOPMed 0.00001; ExAC 0.00002; gnomAD exomes 0.00002; gnomAD 0.00003.
gnomAD v4.1: 103 of 1,209,624 alleles (0.0085%); highest among the groups gnomAD compares: Non-Finnish European, 0.011%; no homozygotes.

Submissions (4):

Ambry Genetics
Classification: Likely benign for Familial thoracic aortic aneurysm and aortic dissection. Last evaluated: 2025-11-22. Review status: criteria provided, single submitter. Criteria: Ambry Variant Classification Scheme 2023. Collection method: clinical testing. Allele origin: germline.

Blueprint Genetics
Classification: Likely benign. Last evaluated: 2024-07-30. Review status: criteria provided, single submitter. Criteria: ACMG Guidelines, 2015. Collection method: clinical testing. Allele origin: germline.

Labcorp Genetics (formerly Invitae), Labcorp
Classification: Benign for FG syndrome. Last evaluated: 2024-07-19. Review status: criteria provided, single submitter. Criteria: Invitae Variant Classification Sherloc (09022015). Collection method: clinical testing. Allele origin: germline.

GeneDx
Classification: Likely benign. Last evaluated: 2018-02-28. Review status: criteria provided, single submitter. Criteria: GeneDx Variant Classification (06012015). Collection method: clinical testing. Allele origin: germline. Affected: yes.
Comment: This variant is considered likely benign or benign based on one or more of the following criteria: it is a conservative change, it occurs at a poorly conserved position in the protein, it is predicted to be benign by multiple in silico algorithms, and/or has population frequency not consistent with disease.